The following is an entry in ClinVar:

NM_001384474.1(LOXHD1):c.183_189dup (p.Phe64fs)

Gene: LOXHD1 (lipoxygenase homology PLAT domains 1; minus strand). Cytogenetic location: 18q21.1.
Variant type: Duplication.
Coding change: c.183_189dup on transcript NM_001384474.1 (MANE Select); coding-DNA positions 183 to 189, 7 bases duplicated (CAATGTC; older notation c.183_189dupCAATGTC).
Protein change: p.Phe64fs; shifts the reading frame from phenylalanine 64.
Molecular consequence: frameshift variant.
Genome position (GRCh38, 1-based): chr18:46,649,211-46,649,217, GACATTG duplicated on the plus strand (CAATGTC on the coding strand, the reverse complement: LOXHD1 is on the minus strand); duplicating any 7 consecutive bases within chr18:46,649,211-46,649,218 gives the same sequence; the c. name uses the placement nearest the transcript's 3' end. VCF-style (leftmost placement, unchanged base first): chr18-46649210-A-AGACATTG. GRCh37 (hg19) VCF-style: chr18-44229173-A-AGACATTG.
Other names: c.183_189dup, p.Phe64fs (NM_144612.7); short protein forms F64fs.
Identifiers: ClinVar variation 5004637 (VCV005004637.1).
Genomic context (GRCh38, chr18:46,649,210, plus strand): 5'-CTCACTTGCTGGTGAGCTGGAGCTTGGGAGAGAGCCCATTCTCTCCAAAAAGCGTGATGA[A>AGACATTG]GACATTGGCATCCGTCCCTGCACCGCGAACATCCCCCGTGGCTGTGACCACTTCATACAC-3'

ClinVar aggregate classification (germline): Pathogenic (1 of 4 stars; one submission).

Conditions:
Autosomal recessive nonsyndromic hearing loss 77. Identifiers: Orphanet 90636, MedGen C2746083, MONDO:0013119, OMIM 613079.

Submission:

Myriad Genetics, Inc.
Classification: Pathogenic for Autosomal recessive nonsyndromic hearing loss 77. Last evaluated: 2026-04-30. Review status: criteria provided, single submitter. Criteria: Myriad Autosomal Dominant, Autosomal Recessive and X-Linked Classification Criteria (2023). Collection method: clinical testing. Allele origin: unknown.
Comment: NM_144612.6(LOXHD1):c.183_189dup7(F64Qfs*27) is a frameshift variant classified as pathogenic in the context of nonsyndromic hearing loss, LOXHD1-related. F64Qfs*27 has not been observed in cases with relevant disease. Relevant functional assessments of this variant are not available in the literature. F64Qfs*27 has not been observed in referenced population frequency databases. In summary, NM_144612.6(LOXHD1):c.183_189dup7(F64Qfs*27) is a frameshift variant in a gene where loss of function is a known mechanism of disease and is predicted to disrupt protein function. Please note: this variant was assessed in the context of healthy population screening.